The following is an entry in ClinVar:

NM_002334.4(LRP4):c.4699A>T (p.Arg1567Trp)

Genes: LRP4 (LDL receptor related protein 4; minus strand), LRP4-AS1 (LRP4 antisense RNA 1; plus strand). Cytogenetic location: 11p11.2.
Variant type: single nucleotide variant.
Coding change: c.4699A>T on transcript NM_002334.4 (MANE Select); coding-DNA position 4699, A replaced by T.
Protein change: p.Arg1567Trp; replaces arginine 1567 with tryptophan.
Molecular consequence: missense variant.
Genome position (GRCh38, 1-based): chr11:46,869,126, T>A on the plus strand (A>T on the coding strand, the complement: LRP4 is on the minus strand). VCF-style: chr11-46869126-T-A. GRCh37 (hg19) VCF-style: chr11-46890677-T-A.
Other names: short protein forms R1567W.
Identifiers: ClinVar variation 573912 (VCV000573912.13), dbSNP rs199747378, ClinGen allele CA5969251.

ClinVar aggregate classification (germline): Uncertain significance. Review status: criteria provided, multiple submitters, no conflicts (2 of 4 stars). 5 submissions from 5 submitters: Uncertain significance (4). 1 of the submissions does not count toward it. Last evaluated 2024-10-24.

Conditions:
Cenani-Lenz syndactyly syndrome. Also called: SYNDACTYLY, TYPE VII; CENANI SYNDACTYLISM. Identifiers: Orphanet 3258, MedGen C1859309, MONDO:0008931, OMIM 212780.
Sclerosteosis 2 (SOST2). Identifiers: Orphanet 3152, MedGen C3280402, MONDO:0013679, OMIM 614305.
Congenital myasthenic syndrome 17. Identifiers: Orphanet 590, MedGen C4225377, MONDO:0014578, OMIM 616304.
Meniere disease. Also called: Ménière's disease. Identifiers: MedGen C0025281, MONDO:0007972, OMIM 156000.

Allele frequency attached by ClinVar (database versions not stated): ESP Exome Variant Server 0.00008; gnomAD 0.00041; ExAC 0.00018; gnomAD exomes 0.00030 and 0.00033; TOPMed 0.00045.
gnomAD v4.1: 544 of 1,614,004 alleles (0.034%); highest among the groups gnomAD compares: Admixed American, 0.11%; no homozygotes.

Submissions (5):

Revvity Omics, Revvity
Classification: Uncertain significance. Last evaluated: 2024-10-24. Review status: criteria provided, single submitter. Criteria: ACMG Guidelines, 2015. Collection method: clinical testing. Allele origin: germline.

Fulgent Genetics
Classification: Uncertain significance for Cenani-Lenz syndactyly syndrome; Sclerosteosis 2; Congenital myasthenic syndrome 17. Last evaluated: 2024-06-23. Review status: criteria provided, single submitter. Criteria: ACMG Guidelines, 2015. Collection method: clinical testing. Allele origin: germline.

Labcorp Genetics (formerly Invitae), Labcorp
Classification: Uncertain significance for Cenani-Lenz syndactyly syndrome; Sclerosteosis 2; Congenital myasthenic syndrome 17. Last evaluated: 2024-01-15. Review status: criteria provided, single submitter. Criteria: Invitae Variant Classification Sherloc (09022015). Collection method: clinical testing. Allele origin: germline.
Comment: This sequence change replaces arginine, which is basic and polar, with tryptophan, which is neutral and slightly polar, at codon 1567 of the LRP4 protein (p.Arg1567Trp). This variant is present in population databases (rs199747378, gnomAD 0.09%). This variant has not been reported in the literature in individuals affected with LRP4-related conditions. ClinVar contains an entry for this variant (Variation ID: 573912). Advanced modeling of protein sequence and biophysical properties (such as structural, functional, and spatial information, amino acid conservation, physicochemical variation, residue mobility, and thermodynamic stability) performed at Invitae indicates that this missense variant is not expected to disrupt LRP4 protein function with a negative predictive value of 80%. In summary, the available evidence is currently insufficient to determine the role of this variant in disease. Therefore, it has been classified as a Variant of Uncertain Significance.

GeneDx
Classification: Uncertain significance. Last evaluated: 2022-01-06. Review status: criteria provided, single submitter. Criteria: GeneDx Variant Classification Process June 2021. Collection method: clinical testing. Allele origin: germline. Affected: yes.
Comment: Has not been previously published as pathogenic or benign to our knowledge; In silico analysis supports that this missense variant has a deleterious effect on protein structure/function

Center for Computational Biology & Bioinformatics, University of California, San Diego
Classification: Uncertain significance for Meniere disease. Last evaluated: 2024-06-03. Review status: no assertion criteria provided. Collection method: research. Allele origin: germline. Affected: yes. Not counted in ClinVar's aggregate classification.